The following is an entry in ClinVar:

ClinVar aggregate classification (germline): Conflicting classifications of pathogenicity. Review status: criteria provided, conflicting classifications (1 of 4 stars). 4 submissions from 2 submitters: Uncertain significance (2); Benign (1); Likely benign (1). Last evaluated 2024-02-23.

Conditions:
Glucocorticoid-remediable aldosteronism. Also called: Hyperaldosteronism, familial, type I; ACTH-DEPENDENT HYPERALDOSTERONISM SYNDROME; ALDOSTERONISM, SENSITIVE TO DEXAMETHASONE; FH I; GLUCOCORTICOID-SUPPRESSIBLE HYPERALDOSTERONISM. Identifiers: Orphanet 403, MedGen C3838731, MONDO:0007080, OMIM 103900.
Corticosterone methyloxidase type 2 deficiency. Also called: 18-OXIDASE DEFICIENCY; ALDOSTERONE DEFICIENCY DUE TO DEFICIENCY OF STEROID 18-OXIDASE; ALDOSTERONE DEFICIENCY II; CMO II DEFICIENCY; STEROID 18-OXIDASE DEFICIENCY. Identifiers: Orphanet 427, MedGen C3463917, MONDO:0012524, OMIM 610600. Disease mechanism: loss of function.
Corticosterone 18-monooxygenase deficiency. Also called: ALDOSTERONE DEFICIENCY DUE TO DEFECT IN STEROID 18-HYDROXYLASE; ALDOSTERONE DEFICIENCY I; CMO I DEFICIENCY; STEROID 18-HYDROXYLASE DEFICIENCY; 18 Hydroxylase deficiency; Aldosterone deficiency due to defect in 18 hydroxylase. Identifiers: Orphanet 427, MedGen C0268293, MONDO:0008751, OMIM 203400. Disease mechanism: loss of function.

Allele frequency attached by ClinVar (database versions not stated): gnomAD 0.00002 and 0.00007; TOPMed 0.00002; gnomAD exomes 0.00009 and 0.00020; ExAC 0.00018; 1000 Genomes Project 30x 0.00031; 1000 Genomes Project 0.00040.
gnomAD v4.1: 294 of 1,613,834 alleles (0.018%); highest among the groups gnomAD compares: East Asian, 0.65%; 1 homozygote.

Submissions (4):

Labcorp Genetics (formerly Invitae), Labcorp
Classification: Likely benign. Last evaluated: 2024-02-23. Review status: criteria provided, single submitter. Criteria: Invitae Variant Classification Sherloc (09022015). Collection method: clinical testing. Allele origin: germline.

Illumina Laboratory Services, Illumina
Classification: Uncertain significance for Corticosterone 18-monooxygenase deficiency. Last evaluated: 2018-01-13. Review status: criteria provided, single submitter. Criteria: ICSL Variant Classification Criteria 13 December 2019. Collection method: clinical testing. Allele origin: germline.

Illumina Laboratory Services, Illumina
Classification: Uncertain significance for Corticosterone methyloxidase type 2 deficiency. Last evaluated: 2018-01-13. Review status: criteria provided, single submitter. Criteria: ICSL Variant Classification Criteria 13 December 2019. Collection method: clinical testing. Allele origin: germline.

Illumina Laboratory Services, Illumina
Classification: Benign for Hyperaldosteronism, familial, type I. Last evaluated: 2018-01-13. Review status: criteria provided, single submitter. Criteria: ICSL Variant Classification Criteria 13 December 2019. Collection method: clinical testing. Allele origin: germline.
Comment: This variant was observed in the ICSL laboratory as part of a predisposition screen in an ostensibly healthy population. It had not been previously curated by ICSL or reported in the Human Gene Mutation Database (HGMD: prior to June 1st, 2018), and was therefore a candidate for classification through an automated scoring system. Utilizing variant allele frequency, disease prevalence and penetrance estimates, and inheritance mode, an automated score was calculated to assess if this variant is too frequent to cause the disease. Based on the score and internal cut-off values, a variant classified as benign is not then subjected to further curation. The score for this variant resulted in a classification of benign for this disease.

NM_000498.3(CYP11B2):c.529C>T (p.Leu177=)

Genes: CYP11B2 (cytochrome P450 family 11 subfamily B member 2; minus strand), LOC106799834 (CYP11B2 recombination region; plus strand). Cytogenetic location: 8q24.3.
Variant type: single nucleotide variant.
Coding change: c.529C>T on transcript NM_000498.3 (MANE Select); coding-DNA position 529, C replaced by T.
Protein change: p.Leu177=; no amino-acid change (leucine 177 retained).
Molecular consequence: synonymous variant.
Genome position (GRCh38, 1-based): chr8:142,915,112, G>A on the plus strand (C>T on the coding strand, the complement: CYP11B2 is on the minus strand). VCF-style: chr8-142915112-G-A. GRCh37 (hg19) VCF-style: chr8-143996528-G-A.
Identifiers: ClinVar variation 362219 (VCV000362219.13), dbSNP rs577489337, ClinGen allele CA4906181.